The following is an entry in ClinVar:

NM_002872.5(RAC2):c.86C>A (p.Pro29His)

Gene: RAC2 (Rac family small GTPase 2; minus strand). Cytogenetic location: 22q13.1.
Variant type: single nucleotide variant.
Coding change: c.86C>A on transcript NM_002872.5 (MANE Select); coding-DNA position 86, C replaced by A.
Protein change: p.Pro29His; replaces proline 29 with histidine.
Molecular consequence: missense variant.
Genome position (GRCh38, 1-based): chr22:37,241,608, G>T on the plus strand (C>A on the coding strand, the complement: RAC2 is on the minus strand). VCF-style: chr22-37241608-G-T. GRCh37 (hg19) VCF-style: chr22-37637648-G-T.
Other names: short protein forms P29H.
Identifiers: ClinVar variation 4533860 (VCV004533860.6).

ClinVar aggregate classification (germline): Likely pathogenic (1 of 4 stars; one submission).

Submission:

CeGaT Center for Human Genetics Tuebingen
Classification: Likely pathogenic. Last evaluated: 2025-11-01. Review status: criteria provided, single submitter. Criteria: CeGaT Center For Human Genetics Tuebingen Variant Classification Criteria Version 2. Collection method: clinical testing. Allele origin: germline. Affected: yes. Observed: 1 variant allele.
Comment: RAC2: PM1, PM2, PM5:Supporting, PP2, PP3